The following is an entry in ClinVar:

ClinVar aggregate classification (germline): Conflicting classifications of pathogenicity. Review status: criteria provided, conflicting classifications (1 of 4 stars). 8 submissions from 8 submitters: Uncertain significance (7); Likely benign (1). Last evaluated 2026-01-26.

Conditions:
Hereditary cancer-predisposing syndrome. Also called: Neoplastic Syndromes, Hereditary; Hereditary neoplastic syndrome; Tumor predisposition; Hereditary Cancer Syndrome. Identifiers: Orphanet 140162, MedGen C0027672, MeSH D009386, MONDO:0015356.
Hereditary breast ovarian cancer syndrome. Also called: Hereditary breast and ovarian cancer syndrome (HBOC); BRCA1- and BRCA2-Associated Hereditary Breast and Ovarian Cancer; Hereditary breast and/or ovarian cancer syndrome; Hereditary breast and ovarian cancer syndrome; Hereditary breast and ovarian cancer; Breast and ovarian cancer. Identifiers: Orphanet 145, MedGen C0677776, MeSH D061325, MONDO:0003582. Disease mechanism: loss of function.
Familial cancer of breast. Also called: hereditary breast carcinoma; BREAST CANCER, FAMILIAL; Hereditary breast cancer. Identifiers: Orphanet 227535, MedGen C0346153, MONDO:0016419, OMIM 114480. Disease mechanism: loss of function.
Fanconi anemia, complementation group S (FANCS). Identifiers: MedGen C4554406, MONDO:0054748, OMIM 617883.
Breast-ovarian cancer, familial, susceptibility to, 1 (BROVCA1). Also called: BRCA1 Hereditary Breast and Ovarian Cancer; OVARIAN CANCER, SUSCEPTIBILITY TO. Identifiers: Orphanet 145, MedGen C2676676, MONDO:0011450, OMIM 604370. Disease mechanism: loss of function.
Pancreatic cancer, susceptibility to, 4. Identifiers: Orphanet 1333, MedGen C3280442, MONDO:0013685, OMIM 614320.
BRCA1-related cancer predisposition. Identifiers: MedGen CN377757, MONDO:0700268.

Allele frequency attached by ClinVar (database versions not stated): TOPMed 0.00001.

Submissions (8):

Labcorp Genetics (formerly Invitae), Labcorp
Classification: Uncertain significance for Hereditary breast ovarian cancer syndrome. Last evaluated: 2026-01-26. Review status: criteria provided, single submitter. Criteria: Invitae Variant Classification Sherloc (09022015). Collection method: clinical testing. Allele origin: germline.
Comment: This sequence change replaces serine, which is neutral and polar, with glycine, which is neutral and non-polar, at codon 308 of the BRCA1 protein (p.Ser308Gly). This variant is not present in population databases (gnomAD no frequency). This variant has not been reported in the literature in individuals affected with BRCA1-related conditions. ClinVar contains an entry for this variant (Variation ID: 419382). Invitae Evidence Modeling of protein sequence and biophysical properties (such as structural, functional, and spatial information, amino acid conservation, physicochemical variation, residue mobility, and thermodynamic stability) indicates that this missense variant is expected to disrupt BRCA1 protein function with a positive predictive value of 80%. RNA analysis performed to evaluate the impact of this missense change on mRNA splicing indicates it does not significantly alter splicing (internal data). In summary, the available evidence is currently insufficient to determine the role of this variant in disease. Therefore, it has been classified as a Variant of Uncertain Significance.

Ambry Genetics
Classification: Uncertain significance for Hereditary cancer-predisposing syndrome. Last evaluated: 2025-03-11. Review status: criteria provided, single submitter. Criteria: Ambry Variant Classification Scheme 2023. Collection method: clinical testing. Allele origin: germline.
Comment: The p.S308G variant (also known as c.922A>G), located in coding exon 9 of the BRCA1 gene, results from an A to G substitution at nucleotide position 922. The serine at codon 308 is replaced by glycine, an amino acid with similar properties. This amino acid position is well conserved in available vertebrate species. In addition, this alteration is predicted to be deleterious by in silico analysis. Based on the available evidence, the clinical significance of this variant remains unclear.

All of Us Research Program, National Institutes of Health
Classification: Uncertain significance for BRCA1-related cancer predisposition. Last evaluated: 2024-09-23. Review status: criteria provided, single submitter. Criteria: ACMG Guidelines, 2015. Collection method: clinical testing. Allele origin: germline. Inheritance: Autosomal dominant inheritance. Observed: 1 variant allele, 1 heterozygote.
Comment: This missense variant replaces serine with glycine at codon 308 of the BRCA1 protein. Computational prediction suggests that this variant may have deleterious impact on protein structure and function (internally defined REVEL score threshold >= 0.7, PMID: 27666373). Functional studies have reported ambivalent results for this variant on BRCA1 function in the rescue of proliferation, cisplatin sensitivity and embryoid body formation in Brca1-deficient mouse ES cells (PMID: 19770520, 23867111). This variant has not been reported in individuals affected with hereditary cancer in the literature. This variant has not been identified in the general population by the Genome Aggregation Database (gnomAD). The available evidence is insufficient to determine the role of this variant in disease conclusively. Therefore, this variant is classified as a Variant of Uncertain Significance.

This study involves interpretation of variants in research participants for the purpose of population health screening. Participant phenotype was not available at the time of variant classification. Additional details can be found in publication PMID: 35346344, PMCID: PMC8962531

University of Washington Department of Laboratory Medicine, University of Washington
Classification: Likely benign for Hereditary cancer-predisposing syndrome. Last evaluated: 2023-03-23. Review status: criteria provided, single submitter. Criteria: Dines et al. (Genet Med. 2020). Collection method: curation. Allele origin: germline.
Comment: Missense variant in a coldspot region where missense variants are very unlikely to be pathogenic (PMID:31911673).

BRCA1 coldspot (exon 11 using historical exon numbering). Reclassification based on statistical prior probability

Fulgent Genetics
Classification: Uncertain significance for Familial cancer of breast; Breast-ovarian cancer, familial, susceptibility to, 1; Pancreatic cancer, susceptibility to, 4; Fanconi anemia, complementation group S. Last evaluated: 2021-07-23. Review status: criteria provided, single submitter. Criteria: ACMG Guidelines, 2015. Collection method: clinical testing. Allele origin: unknown.

Color Diagnostics, LLC DBA Color Health
Classification: Uncertain significance for Hereditary cancer-predisposing syndrome. Last evaluated: 2021-03-01. Review status: criteria provided, single submitter. Criteria: ACMG Guidelines, 2015. Collection method: clinical testing. Allele origin: germline.
Comment: This missense variant replaces serine with glycine at codon 308 of the BRCA1 protein. Computational prediction suggests that this variant may have deleterious impact on protein structure and function (internally defined REVEL score threshold >= 0.7, PMID: 27666373). Functional studies have reported ambivalent results for this variant on BRCA1 function in the rescue of proliferation, cisplatin sensitivity and embryoid body formation in Brca1-deficient mouse ES cells (PMID: 19770520, 23867111). This variant has not been reported in individuals affected with hereditary cancer in the literature. This variant has not been identified in the general population by the Genome Aggregation Database (gnomAD). The available evidence is insufficient to determine the role of this variant in disease conclusively. Therefore, this variant is classified as a Variant of Uncertain Significance.

Quest Diagnostics Nichols Institute San Juan Capistrano
Classification: Uncertain significance. Last evaluated: 2016-11-17. Review status: criteria provided, single submitter. Criteria: Quest Diagnostics criteria. Collection method: clinical testing. Allele origin: germline.

GeneDx
Classification: Uncertain significance. Last evaluated: 2015-07-02. Review status: criteria provided, single submitter. Criteria: GeneDx Variant Classification (06012015). Collection method: clinical testing. Allele origin: germline. Affected: yes.
Comment: This variant is denoted BRCA1 c.922A>G at the cDNA level, p.Ser308Gly (S308G) at the protein level, and results in the change of a Serine to a Glycine (AGC>GGC). Using alternate nomenclature, this variant would be defined as BRCA1 1041A>G. This variant has not, to our knowledge, been published in the literature as pathogenic or benign. BRCA1 Ser308Gly was not observed in approximately 6,500 individuals of European and African American ancestry in the NHLBI Exome Sequencing Project, indicating it is not a common benign variant in these populations. Since Serine and Glycine differ in polarity, charge, size or other properties, this is considered a non-conservative amino acid substitution. BRCA1 Ser308Gly occurs at a position where amino acids with properties similar to Serine are tolerated across species and is located in in a SWI/SNF binding domain (Narod 2004). In silico analyses are inconsistent regarding the effect this variant may have on protein structure and function. Based on currently available information, it is unclear whether BRCA1 Ser308Gly is pathogenic or benign. We consider it to be a variant of uncertain significance.

Literature cited by the submitters: PubMed 23867111 (cited by 3 submitters); PubMed 19770520 (cited by All of Us Research Program, National Institutes of Health).

NM_007294.4(BRCA1):c.922A>G (p.Ser308Gly)

Gene: BRCA1 (BRCA1 DNA repair associated; minus strand). Cytogenetic location: 17q21.31.
Variant type: single nucleotide variant.
Coding change: c.922A>G on transcript NM_007294.4 (MANE Select); coding-DNA position 922, A replaced by G.
Protein change: p.Ser308Gly; replaces serine 308 with glycine.
Molecular consequence: missense variant. On other transcripts: intron variant (137).
Genome position (GRCh38, 1-based): chr17:43,094,609, T>C on the plus strand (A>G on the coding strand, the complement: BRCA1 is on the minus strand). VCF-style: chr17-43094609-T-C. GRCh37 (hg19) VCF-style: chr17-41246626-T-C.
Other names: c.919A>G, p.Ser307Gly (NM_001407615.1, NM_001407634.1, NM_001407635.1 and 22 more transcripts); c.922A>G, p.Ser308Gly (NM_001407616.1, NM_001407617.1, NM_001407618.1 and 30 more transcripts); c.844A>G, p.Ser282Gly (NM_001407656.1, NM_001407657.1, NM_001407658.1 and 4 more transcripts); c.841A>G, p.Ser281Gly (NM_001407659.1, NM_001407660.1, NM_001407661.1 and 1 more transcripts); c.799A>G, p.Ser267Gly (NM_001407664.1, NM_001407665.1, NM_001407675.1 and 19 more transcripts); c.781A>G, p.Ser261Gly (NM_001407695.1, NM_001407696.1, NM_001407697.1 and 29 more transcripts); c.778A>G, p.Ser260Gly (NM_001407740.1, NM_001407741.1, NM_001407742.1 and 20 more transcripts); c.709A>G, p.Ser237Gly (NM_001407853.1, NM_001407894.1, NM_001407895.1 and 9 more transcripts); and 40 more; short protein forms S308G, S261G, S12G, S140G, S196G, S219G, S220G, S238G.
Identifiers: ClinVar variation 419382 (VCV000419382.26), dbSNP rs55767801, ClinGen allele CA10600223.